The following is an entry in ClinVar:

ClinVar aggregate classification (germline): Likely benign. Review status: criteria provided, multiple submitters, no conflicts (2 of 4 stars). 3 submissions from 3 submitters: Likely benign (3). Last evaluated 2026-07-01.

Allele frequency attached by ClinVar (database versions not stated): TOPMed 0.00001.
gnomAD v4.1: 26 of 1,552,604 alleles (0.0017%); highest among the groups gnomAD compares: Middle Eastern, 0.26%; 1 homozygote.

Submissions (3):

CeGaT Center for Human Genetics Tuebingen
Classification: Likely benign. Last evaluated: 2026-07-01. Review status: criteria provided, single submitter. Criteria: CeGaT Center For Human Genetics Tuebingen Variant Classification Criteria Version 2. Collection method: clinical testing. Allele origin: germline. Affected: yes. Observed: 6 variant alleles.
Comment: GRIN2D: BP4, BP7

Labcorp Genetics (formerly Invitae), Labcorp
Classification: Likely benign. Last evaluated: 2026-01-26. Review status: criteria provided, single submitter. Criteria: Invitae Variant Classification Sherloc (09022015). Collection method: clinical testing. Allele origin: germline.

Blueprint Genetics
Classification: Likely benign. Last evaluated: 2024-09-27. Review status: criteria provided, single submitter. Criteria: ACMG Guidelines, 2015. Collection method: clinical testing. Allele origin: germline.

NM_000836.4(GRIN2D):c.1387C>A (p.Arg463=)

Gene: GRIN2D (glutamate ionotropic receptor NMDA type subunit 2D; plus strand). Cytogenetic location: 19q13.33.
Variant type: single nucleotide variant.
Coding change: c.1387C>A on transcript NM_000836.4 (MANE Select); coding-DNA position 1387, C replaced by A.
Protein change: p.Arg463=; no amino-acid change (arginine 463 retained).
Molecular consequence: synonymous variant.
Genome position (GRCh38, 1-based): chr19:48,414,559, C>A. VCF-style: chr19-48414559-C-A. GRCh37 (hg19) VCF-style: chr19-48917816-C-A.
Identifiers: ClinVar variation 1504372 (VCV001504372.42), dbSNP rs1204764292, ClinGen allele CA508264387.
Genomic context (GRCh38, chr19:48,414,559, plus strand): 5'-GTCATCGTGGAGCCTGCAGACCCTATCAGCGGCACCTGCATCCGAGACTCCGTCCCCTGC[C>A]GGAGCCAGCTCAACCGAACCCACAGGTGACAGCTCGGGATCCAGGAGTTCCGGCTCCAAA-3'
Protein context (NP_000827.2, residues 453-473): GTCIRDSVPC[Arg463=]SQLNRTHSPP